The following is an entry in ClinVar:

ClinVar aggregate classification (germline): Likely benign (0 of 4 stars; one submission).

Conditions:
PLXNA3-related disorder. Also called: PLXNA3-related condition.

gnomAD v4.1: 1 of 1,210,552 alleles (0.000083%); highest among the groups gnomAD compares: African/African-American, 0.0017%; no homozygotes.

Submission:

PreventionGenetics, part of Exact Sciences
Classification: Likely benign for PLXNA3-related condition. Last evaluated: 2024-05-02. Review status: no assertion criteria provided. Collection method: clinical testing. Allele origin: germline.
Comment: This variant is classified as likely benign based on ACMG/AMP sequence variant interpretation guidelines (Richards et al. 2015 PMID: 25741868, with internal and published modifications).

NM_017514.5(PLXNA3):c.915C>T (p.Ala305=)

Gene: PLXNA3 (plexin A3; plus strand). Cytogenetic location: Xq28.
Variant type: single nucleotide variant.
Coding change: c.915C>T on transcript NM_017514.5 (MANE Select); coding-DNA position 915, C replaced by T.
Protein change: p.Ala305=; no amino-acid change (alanine 305 retained).
Molecular consequence: synonymous variant.
Genome position (GRCh38, 1-based): chrX:154,461,419, C>T. VCF-style: chrX-154461419-C-T. GRCh37 (hg19) VCF-style: chrX-153689759-C-T.
Identifiers: ClinVar variation 3356673 (VCV003356673.1).